The following is an entry in ClinVar:

ClinVar aggregate classification (germline): Likely benign (1 of 4 stars; one submission).

Conditions:
H19-related disorder. Also called: H19-related condition.

Submission:

PreventionGenetics, part of Exact Sciences
Classification: Likely benign for H19-related condition. Last evaluated: 2025-07-02. Review status: criteria provided, single submitter. Criteria: ACMG Guidelines, 2015. Collection method: clinical testing. Allele origin: germline.
Comment: This variant is classified as likely benign based on ACMG/AMP sequence variant interpretation guidelines (Richards et al. 2015 PMID: 25741868, with internal and published modifications).

NR_002196.3(H19):n.219G>A

Genes: MRPL23 (mitochondrial ribosomal protein L23; plus strand), H19 (H19 imprinted maternally expressed transcript; minus strand). Cytogenetic location: 11p15.5.
Variant type: single nucleotide variant.
Molecular consequence: non-coding transcript variant (on NR_002196.3). On other transcripts: intron variant (1).
Genome position: GRCh38 VCF-style: chr11-1997624-C-T. GRCh37 (hg19) VCF-style: chr11-2018854-C-T.
Other names: c.498-13917C>T (NM_001400176.1).
Identifiers: ClinVar variation 4978232 (VCV004978232.1).